The following is an entry in ClinVar:

NM_001267550.2(TTN):c.45083-19_45083-15del

Genes: TTN (titin; minus strand), LOC126806427 (BRD4-independent group 4 enhancer GRCh37_chr2:179485777-179486976; plus strand). Cytogenetic location: 2q31.2.
Variant type: Deletion.
Coding change: c.45083-19_45083-15del on transcript NM_001267550.2 (MANE Select); 19 bases into the intron before coding-DNA position 45083 through 15 bases into the intron before coding-DNA position 45083, 5 bases deleted (GTTTT; older notation c.45083-19_45083-15delGTTTT).
Molecular consequence: intron variant.
Genome position (GRCh38, 1-based): chr2:178,621,756-178,621,760, AAAAC deleted on the plus strand (GTTTT on the coding strand, the reverse complement: TTN is on the minus strand); deleting any 5 consecutive bases within chr2:178,621,756-178,621,764 gives the same sequence; the c. name uses the placement nearest the transcript's 3' end. VCF-style (leftmost placement, unchanged base first): chr2-178621755-AAAAAC-A. GRCh37 (hg19) VCF-style: chr2-179486482-AAAAAC-A.
Other names: c.40160-19_40160-15delGTTTT (NM_001256850.1); c.17888-19_17888-15del (NM_003319.4); c.18464-19_18464-15del (NM_133437.4); c.18263-19_18263-15del (NM_133432.3); c.37379-19_37379-15del (NM_133378.4); c.40160-19_40160-15del (NM_001256850.1).
Identifiers: ClinVar variation 509761 (VCV000509761.9), dbSNP rs781409618, ClinGen allele CA1995501.
Genomic context (GRCh38, chr2:178,621,755, plus strand): 5'-ACTAACTTCAATGTTGGCAAGATTTTTGGTAAAGACAGCTTCTTCTTCTGCAAGCATTGA[AAAAAC>A]AAAAACCACATTGAGTTAAGCTGGAAATTATTATTTTTTCCCAACACATATACTTCACAA-3'

ClinVar aggregate classification (germline): Likely benign. Review status: criteria provided, multiple submitters, no conflicts (2 of 4 stars). 2 submissions from 2 submitters: Likely benign (2). Last evaluated 2025-12-03.

Conditions:
Dilated cardiomyopathy 1G (CMD1G). Identifiers: Orphanet 154, MedGen C1858763, MONDO:0011400, OMIM 604145.
Autosomal recessive limb-girdle muscular dystrophy type 2J (LGMDR10). Also called: Limb-girdle muscular dystrophy, type 2J; MUSCULAR DYSTROPHY, LIMB-GIRDLE, AUTOSOMAL RECESSIVE 10. Identifiers: Orphanet 140922, MedGen C1837342, MONDO:0012127, OMIM 608807.

Submissions (2):

Labcorp Genetics (formerly Invitae), Labcorp
Classification: Likely benign for Dilated cardiomyopathy 1G; Autosomal recessive limb-girdle muscular dystrophy type 2J. Last evaluated: 2025-12-03. Review status: criteria provided, single submitter. Criteria: Invitae Variant Classification Sherloc (09022015). Collection method: clinical testing. Allele origin: germline.

GeneDx
Classification: Likely benign. Last evaluated: 2018-01-23. Review status: criteria provided, single submitter. Criteria: GeneDx Variant Classification (06012015). Collection method: clinical testing. Allele origin: germline. Affected: yes.
Comment: This variant is considered likely benign or benign based on one or more of the following criteria: it is a conservative change, it occurs at a poorly conserved position in the protein, it is predicted to be benign by multiple in silico algorithms, and/or has population frequency not consistent with disease.